The following is an entry in ClinVar:

NM_198503.5(KCNT2):c.1113G>C (p.Leu371Phe)

Gene: KCNT2 (potassium sodium-activated channel subfamily T member 2; minus strand). Cytogenetic location: 1q31.3.
Variant type: single nucleotide variant.
Coding change: c.1113G>C on transcript NM_198503.5 (MANE Select); coding-DNA position 1113, G replaced by C.
Protein change: p.Leu371Phe; replaces leucine 371 with phenylalanine.
Molecular consequence: missense variant. On other transcripts: non-coding transcript variant (2).
Genome position (GRCh38, 1-based): chr1:196,425,860, C>G on the plus strand (G>C on the coding strand, the complement: KCNT2 is on the minus strand). VCF-style: chr1-196425860-C-G. GRCh37 (hg19) VCF-style: chr1-196394990-C-G.
Other names: c.1113G>C, p.Leu371Phe (NM_001287819.3, NM_001287820.3); short protein forms L371F.
Identifiers: ClinVar variation 3029415 (VCV003029415.2), dbSNP rs763064399, ClinGen allele CA344079878.
Genomic context (GRCh38, chr1:196,425,860, plus strand): 5'-TATTAAGTCACTCAAAACTGTAAGCTGCAAGATGAAAGGCAGGGATACCTACTTTGCTCT[C>G]AATAGGTCTTGATCTTTAAGGGCTGAACCTTGAAGGTAGATAACTCGTTGGGACCACATT-3'
Protein context (NP_940905.2, residues 361-381): QGSALKDQDL[Leu371Phe]RAKMDDAEAC

ClinVar aggregate classification (germline): Uncertain significance (0 of 4 stars; one submission).

Conditions:
KCNT2-related disorder. Also called: KCNT2-related condition. Identifiers: MedGen CN236796.

Submission:

PreventionGenetics, part of Exact Sciences
Classification: Uncertain significance for KCNT2-related condition. Last evaluated: 2023-12-20. Review status: no assertion criteria provided. Collection method: clinical testing. Allele origin: germline.
Comment: The KCNT2 c.1113G>C variant is predicted to result in the amino acid substitution p.Leu371Phe. To our knowledge, this variant has not been reported in the literature or in a large population database, indicating this variant is rare. At this time, the clinical significance of this variant is uncertain due to the absence of conclusive functional and genetic evidence.